The following is an entry in ClinVar:

NM_006947.4(SRP72):c.1754A>G (p.Tyr585Cys)

Gene: SRP72 (signal recognition particle 72; plus strand). Cytogenetic location: 4q12.
Variant type: single nucleotide variant.
Coding change: c.1754A>G on transcript NM_006947.4 (MANE Select); coding-DNA position 1754, A replaced by G.
Protein change: p.Tyr585Cys; replaces tyrosine 585 with cysteine.
Molecular consequence: missense variant. On other transcripts: non-coding transcript variant (1).
Genome position (GRCh38, 1-based): chr4:56,500,611, A>G. VCF-style: chr4-56500611-A-G. GRCh37 (hg19) VCF-style: chr4-57366777-A-G.
Other names: c.1571A>G, p.Tyr524Cys (NM_001267722.2); short protein forms Y524C, Y585C.
Identifiers: ClinVar variation 3801402 (VCV003801402.1).

ClinVar aggregate classification (germline): Uncertain significance (1 of 4 stars; one submission).

Submission:

Ambry Genetics
Classification: Uncertain significance. Last evaluated: 2024-12-14. Review status: criteria provided, single submitter. Criteria: Ambry Variant Classification Scheme 2023. Collection method: clinical testing. Allele origin: germline.
Comment: The p.Y585C variant (also known as c.1754A>G), located in coding exon 18 of the SRP72 gene, results from an A to G substitution at nucleotide position 1754. The tyrosine at codon 585 is replaced by cysteine, an amino acid with highly dissimilar properties. This amino acid position is conserved. In addition, this alteration is predicted to be deleterious by in silico analysis. Based on the available evidence, the clinical significance of this variant remains unclear.